The following is an entry in ClinVar:

NM_004006.3(DMD):c.9563+4C>T

Gene: DMD (dystrophin; minus strand). Cytogenetic location: Xp21.2.
Variant type: single nucleotide variant.
Coding change: c.9563+4C>T on transcript NM_004006.3 (MANE Select); 4 bases into the intron after coding-DNA position 9563, C replaced by T.
Molecular consequence: intron variant.
Genome position (GRCh38, 1-based): chrX:31,209,494, G>A on the plus strand (C>T on the coding strand, the complement: DMD is on the minus strand). VCF-style: chrX-31209494-G-A. GRCh37 (hg19) VCF-style: chrX-31227611-G-A.
Other names: c.9539+4C>T (NM_000109.4); c.5540+4C>T (NM_004011.4); c.5531+4C>T (NM_004012.4); c.2183+4C>T (NM_004023.3, NM_004020.4, NM_004022.3 and 2 more transcripts); c.1376+4C>T (NM_004014.3); c.359+4C>T (NM_004018.3, NM_004017.3, NM_004016.3 and 2 more transcripts); c.9551+4C>T (NM_004009.3); c.9194+4C>T (NM_004010.3).
Identifiers: ClinVar variation 511224 (VCV000511224.14), dbSNP rs753666498, ClinGen allele CA10377792.
Genomic context (GRCh38, chrX:31,209,494, plus strand): 5'-TCACCATTCTGTACGCTAAGCCTCCTGTGACAGAGCCCGGGAAATAAAAACATGCCATAC[G>A]TACGTATCATAAACATTCAGCAGCCAGTTCAGACACATATCCACGCAGAGAGGGACGTTG-3'

ClinVar aggregate classification (germline): Conflicting classifications of pathogenicity. Review status: criteria provided, conflicting classifications (1 of 4 stars). 5 submissions from 5 submitters: Uncertain significance (1); Likely benign (3). 1 of the submissions does not count toward it. Last evaluated 2026-01-07.

Conditions:
Duchenne muscular dystrophy (DMD). Also called: MUSCULAR DYSTROPHY, PSEUDOHYPERTROPHIC PROGRESSIVE, DUCHENNE TYPE; Duchenne Muscular Dystrophy (DMD). Identifiers: Orphanet 98896, MedGen C0013264, MONDO:0010679, OMIM 310200.
Cardiovascular phenotype. Identifiers: MedGen CN230736.
DMD-related disorder. Also called: DMD-related condition.

Allele frequency attached by ClinVar (database versions not stated): ExAC 0.00001; gnomAD exomes 0.00001; gnomAD 0.00011 and 0.00013; TOPMed 0.00015.
gnomAD v4.1: 19 of 1,207,264 alleles (0.0016%); highest among the groups gnomAD compares: African/African-American, 0.026%; no homozygotes.

Submissions (5):

Labcorp Genetics (formerly Invitae), Labcorp
Classification: Likely benign for Duchenne muscular dystrophy. Last evaluated: 2026-01-07. Review status: criteria provided, single submitter. Criteria: Invitae Variant Classification Sherloc (09022015). Collection method: clinical testing. Allele origin: germline.

Women's Health and Genetics/Laboratory Corporation of America, LabCorp
Classification: Uncertain significance. Last evaluated: 2025-11-12. Review status: criteria provided, single submitter. Criteria: LabCorp Variant Classification Summary - May 2015. Collection method: clinical testing. Allele origin: germline.

Ambry Genetics
Classification: Likely benign for Cardiovascular phenotype. Last evaluated: 2021-07-20. Review status: criteria provided, single submitter. Criteria: Ambry Variant Classification Scheme 2023. Collection method: clinical testing. Allele origin: germline.

GeneDx
Classification: Likely benign. Last evaluated: 2020-03-09. Review status: criteria provided, single submitter. Criteria: GeneDx Variant Classification Process June 2021. Collection method: clinical testing. Allele origin: germline. Affected: yes.

PreventionGenetics, part of Exact Sciences
Classification: Likely benign for DMD-related condition. Last evaluated: 2023-12-27. Review status: no assertion criteria provided. Collection method: clinical testing. Allele origin: germline. Not counted in ClinVar's aggregate classification.
Comment: This variant is classified as likely benign based on ACMG/AMP sequence variant interpretation guidelines (Richards et al. 2015 PMID: 25741868, with internal and published modifications).